The following is an entry in ClinVar:

NM_153485.3(NUP155):c.1621T>C (p.Leu541=)

Gene: NUP155 (nucleoporin 155; minus strand). Cytogenetic location: 5p13.2.
Variant type: single nucleotide variant.
Coding change: c.1621T>C on transcript NM_153485.3 (MANE Select); coding-DNA position 1621, T replaced by C.
Protein change: p.Leu541=; no amino-acid change (leucine 541 retained).
Molecular consequence: synonymous variant.
Genome position (GRCh38, 1-based): chr5:37,331,693, A>G on the plus strand (T>C on the coding strand, the complement: NUP155 is on the minus strand). VCF-style: chr5-37331693-A-G. GRCh37 (hg19) VCF-style: chr5-37331795-A-G.
Other names: c.1621T>C, p.Leu541= (NM_001278312.2); c.1444T>C, p.Leu482= (NM_004298.4).
Identifiers: ClinVar variation 783391 (VCV000783391.17), dbSNP rs75255795, ClinGen allele CA3239975.

ClinVar aggregate classification (germline): Benign/Likely benign. Review status: criteria provided, multiple submitters, no conflicts (2 of 4 stars). 5 submissions from 5 submitters: Benign (3); Likely benign (2). Last evaluated 2026-02-05.

Conditions:
NUP155-related disorder. Also called: NUP155-related condition.

Allele frequency attached by ClinVar (database versions not stated): 1000 Genomes Project 30x 0.00156; 1000 Genomes Project 0.00160; TOPMed 0.00378; gnomAD 0.00401 and 0.00403; gnomAD exomes 0.00446 and 0.00554; ExAC 0.00464; ESP Exome Variant Server 0.00515.
gnomAD v4.1: 8,531 of 1,579,328 alleles (0.54%); highest among the groups gnomAD compares: Non-Finnish European, 0.64%; 39 homozygotes.

Submissions (5):

PreventionGenetics, part of Exact Sciences
Classification: Benign for NUP155-related condition. Last evaluated: 2026-02-05. Review status: criteria provided, single submitter. Criteria: ACMG Guidelines, 2015. Collection method: clinical testing. Allele origin: germline.
Comment: This variant is classified as benign based on ACMG/AMP sequence variant interpretation guidelines (Richards et al. 2015 PMID: 25741868, with internal and published modifications).

CeGaT Center for Human Genetics Tuebingen
Classification: Likely benign. Last evaluated: 2026-02-01. Review status: criteria provided, single submitter. Criteria: CeGaT Center For Human Genetics Tuebingen Variant Classification Criteria Version 2. Collection method: clinical testing. Allele origin: germline. Affected: yes. Observed: 2 variant alleles.
Comment: NUP155: BP4, BS2

Blueprint Genetics
Classification: Likely benign. Last evaluated: 2024-11-21. Review status: criteria provided, single submitter. Criteria: ACMG Guidelines, 2015. Collection method: clinical testing. Allele origin: germline.

Labcorp Genetics (formerly Invitae), Labcorp
Classification: Benign. Last evaluated: 2019-12-31. Review status: criteria provided, single submitter. Criteria: Invitae Variant Classification Sherloc (09022015). Collection method: clinical testing. Allele origin: germline.

Breakthrough Genomics
Classification: Benign. Review status: criteria provided, single submitter. Criteria: ACMG Guidelines, 2015. Collection method: not provided. Allele origin: germline. Inheritance: Autosomal recessive inheritance. Affected: yes.